The following is an entry in ClinVar:

ClinVar aggregate classification (germline): Uncertain significance. Review status: criteria provided, multiple submitters, no conflicts (2 of 4 stars). 3 submissions from 3 submitters: Uncertain significance (3). Last evaluated 2025-03-07.

Conditions:
Inborn genetic diseases. Identifiers: MedGen C0950123, MeSH D030342.

Allele frequency attached by ClinVar (database versions not stated): gnomAD exomes 0.00001.
gnomAD v4.1: 3 of 1,612,376 alleles (0.00019%); highest among the groups gnomAD compares: Admixed American, 0.005%; no homozygotes.

Submissions (3):

Ambry Genetics
Classification: Uncertain significance for Inborn genetic diseases. Last evaluated: 2025-03-07. Review status: criteria provided, single submitter. Criteria: Ambry Variant Classification Scheme 2023. Collection method: clinical testing. Allele origin: germline.
Comment: The p.L25P variant (also known as c.74T>C), located in coding exon 2 of the ERCC6L2 gene, results from a T to C substitution at nucleotide position 74. The leucine at codon 25 is replaced by proline, an amino acid with similar properties. This amino acid position is conserved. In addition, the in silico prediction for this alteration is inconclusive. Based on the available evidence, the clinical significance of this variant remains unclear.

Labcorp Genetics (formerly Invitae), Labcorp
Classification: Uncertain significance. Last evaluated: 2022-10-25. Review status: criteria provided, single submitter. Criteria: Invitae Variant Classification Sherloc (09022015). Collection method: clinical testing. Allele origin: germline.
Comment: This sequence change replaces leucine, which is neutral and non-polar, with proline, which is neutral and non-polar, at codon 36 of the ERCC6L2 protein (p.Leu36Pro). This variant is not present in population databases (gnomAD no frequency). This variant has not been reported in the literature in individuals affected with ERCC6L2-related conditions. Algorithms developed to predict the effect of missense changes on protein structure and function are either unavailable or do not agree on the potential impact of this missense change (SIFT: "Deleterious"; PolyPhen-2: "Not Available"; Align-GVGD: "Class C0"). In summary, the available evidence is currently insufficient to determine the role of this variant in disease. Therefore, it has been classified as a Variant of Uncertain Significance.

Blueprint Genetics
Classification: Uncertain significance. Last evaluated: 2021-12-21. Review status: criteria provided, single submitter. Criteria: ACMG Guidelines, 2015. Collection method: clinical testing. Allele origin: germline.

NM_020207.7(ERCC6L2):c.74T>C (p.Leu25Pro)

Gene: ERCC6L2 (ERCC excision repair 6 like 2; plus strand). Cytogenetic location: 9q22.32.
Variant type: single nucleotide variant.
Coding change: c.74T>C on transcript NM_020207.7 (MANE Select); coding-DNA position 74, T replaced by C.
Protein change: p.Leu25Pro; replaces leucine 25 with proline.
Molecular consequence: missense variant. On other transcripts: non-coding transcript variant (1).
Genome position (GRCh38, 1-based): chr9:95,880,896, T>C. VCF-style: chr9-95880896-T-C. GRCh37 (hg19) VCF-style: chr9-98643178-T-C.
Other names: c.74T>C, p.Leu25Pro (NM_001010895.4, NM_001375291.1, NM_001375292.1 and 2 more transcripts); short protein forms L25P.
Identifiers: ClinVar variation 1916676 (VCV001916676.4), dbSNP rs2490182316, ClinGen allele CA374116581.